The following is an entry in ClinVar:

ClinVar aggregate classification (germline): Uncertain significance (1 of 4 stars; one submission).

Submission:

Labcorp Genetics (formerly Invitae), Labcorp
Classification: Uncertain significance. Last evaluated: 2026-01-26. Review status: criteria provided, single submitter. Criteria: Invitae Variant Classification Sherloc (09022015). Collection method: clinical testing. Allele origin: germline.
Comment: This sequence change replaces proline, which is neutral and non-polar, with alanine, which is neutral and non-polar, at codon 370 of the TCF20 protein (p.Pro370Ala). This variant is not present in population databases (gnomAD no frequency). This variant has not been reported in the literature in individuals affected with TCF20-related conditions. An algorithm developed to predict the effect of missense changes on protein structure and function (PolyPhen-2) suggests that this variant is likely to be disruptive. In summary, the available evidence is currently insufficient to determine the role of this variant in disease. Therefore, it has been classified as a Variant of Uncertain Significance.

NM_001378418.1(TCF20):c.1108C>G (p.Pro370Ala)

Gene: TCF20 (transcription factor 20; minus strand). Cytogenetic location: 22q13.2.
Variant type: single nucleotide variant.
Coding change: c.1108C>G on transcript NM_001378418.1 (MANE Select); coding-DNA position 1108, C replaced by G.
Protein change: p.Pro370Ala; replaces proline 370 with alanine.
Molecular consequence: missense variant.
Genome position (GRCh38, 1-based): chr22:42,214,198, G>C on the plus strand (C>G on the coding strand, the complement: TCF20 is on the minus strand). VCF-style: chr22-42214198-G-C. GRCh37 (hg19) VCF-style: chr22-42610204-G-C.
Other names: c.1108C>G, p.Pro370Ala (NM_005650.4, NM_181492.3); short protein forms P370A.
Identifiers: ClinVar variation 4736192 (VCV004736192.1).